The following is an entry in ClinVar:

ClinVar aggregate classification (germline): Uncertain significance (1 of 4 stars; one submission).

Conditions:
Combined immunodeficiency due to MALT1 deficiency. Also called: Immunodeficiency 12. Identifiers: Orphanet 397964, MedGen C3809583, MONDO:0014197, OMIM 615468.

Submission:

Labcorp Genetics (formerly Invitae), Labcorp
Classification: Uncertain significance for Combined immunodeficiency due to MALT1 deficiency. Last evaluated: 2020-12-22. Review status: criteria provided, single submitter. Criteria: Invitae Variant Classification Sherloc (09022015). Collection method: clinical testing. Allele origin: germline.
Comment: In summary, the available evidence is currently insufficient to determine the role of this variant in disease. Therefore, it has been classified as a Variant of Uncertain Significance. Algorithms developed to predict the effect of sequence changes on RNA splicing suggest that this variant may disrupt the consensus splice site, but this prediction has not been confirmed by published transcriptional studies. This variant has not been reported in the literature in individuals with MALT1-related conditions. This variant is present in population databases (rs747063160, ExAC 0.01%). This sequence change falls in intron 12 of the MALT1 gene. It does not directly change the encoded amino acid sequence of the MALT1 protein.

NM_006785.4(MALT1):c.1476-15_1476-10del

Gene: MALT1 (MALT1 paracaspase; plus strand). Cytogenetic location: 18q21.32.
Variant type: Deletion.
Coding change: c.1476-15_1476-10del on transcript NM_006785.4 (MANE Select); 15 bases into the intron before coding-DNA position 1476 through 10 bases into the intron before coding-DNA position 1476, 6 bases deleted (TTTTCT; older notation c.1476-15_1476-10delTTTTCT).
Molecular consequence: intron variant.
Genome position (GRCh38, 1-based): chr18:58,735,187-58,735,192, TTTTCT deleted; deleting any 6 consecutive bases within chr18:58,735,183-58,735,192 gives the same sequence; the c. name uses the placement nearest the transcript's 3' end. VCF-style (leftmost placement, unchanged base first): chr18-58735182-CTTCTTT-C. GRCh37 (hg19) VCF-style: chr18-56402414-CTTCTTT-C.
Other names: c.1443-15_1443-10del (NM_173844.3).
Identifiers: ClinVar variation 1460621 (VCV001460621.6), dbSNP rs747063160, ClinGen allele CA8977932.